The following is an entry in ClinVar:

ClinVar aggregate classification (germline): Uncertain significance (1 of 4 stars; one submission).

Submission:

Labcorp Genetics (formerly Invitae), Labcorp
Classification: Uncertain significance. Last evaluated: 2024-05-05. Review status: criteria provided, single submitter. Criteria: Invitae Variant Classification Sherloc (09022015). Collection method: clinical testing. Allele origin: germline.
Comment: This sequence change replaces glycine, which is neutral and non-polar, with aspartic acid, which is acidic and polar, at codon 652 of the COL11A1 protein (p.Gly652Asp). This variant is not present in population databases (gnomAD no frequency). This variant has not been reported in the literature in individuals affected with COL11A1-related conditions. Advanced modeling of protein sequence and biophysical properties (such as structural, functional, and spatial information, amino acid conservation, physicochemical variation, residue mobility, and thermodynamic stability) has been performed at Invitae for this missense variant, however the output from this modeling did not meet the statistical confidence thresholds required to predict the impact of this variant on COL11A1 protein function. In summary, the available evidence is currently insufficient to determine the role of this variant in disease. Therefore, it has been classified as a Variant of Uncertain Significance.

NM_001854.4(COL11A1):c.1955G>A (p.Gly652Asp)

Gene: COL11A1 (collagen type XI alpha 1 chain; minus strand). Cytogenetic location: 1p21.1.
Variant type: single nucleotide variant.
Coding change: c.1955G>A on transcript NM_001854.4 (MANE Select); coding-DNA position 1955, G replaced by A.
Protein change: p.Gly652Asp; replaces glycine 652 with aspartic acid.
Molecular consequence: missense variant. On other transcripts: non-coding transcript variant (1).
Genome position (GRCh38, 1-based): chr1:103,003,258, C>T on the plus strand (G>A on the coding strand, the complement: COL11A1 is on the minus strand). VCF-style: chr1-103003258-C-T. GRCh37 (hg19) VCF-style: chr1-103468814-C-T.
Other names: c.1838G>A, p.Gly613Asp (NM_001190709.2); c.1991G>A, p.Gly664Asp (NM_080629.3); c.1607G>A, p.Gly536Asp (NM_080630.4); short protein forms G613D, G652D, G664D, G536D.
Identifiers: ClinVar variation 3652225 (VCV003652225.2).
Genomic context (GRCh38, chr1:103,003,258, plus strand): 5'-TTTCCAGCAATACATACAGGCTGCCCTGGAGCTCCTGGAGTTCCCCTTGGACCCAGCAAA[C>T]CTCGTGGGCCCTAGGAGAAAAAGAAAAAGCACGCCTTTATTAAAAAAAAAAAATGTCCTA-3'
Protein context (NP_001845.3, residues 642-662): RGLPGEAGPR[Gly652Asp]LLGPRGTPGA